The following is an entry in ClinVar:

ClinVar aggregate classification (germline): Uncertain significance. Review status: criteria provided, multiple submitters, no conflicts (2 of 4 stars). 2 submissions from 2 submitters: Uncertain significance (2). Last evaluated 2025-10-05.

Conditions:
Inborn genetic diseases. Identifiers: MedGen C0950123, MeSH D030342.

Allele frequency attached by ClinVar (database versions not stated): TOPMed 0.00005; gnomAD exomes 0.00007; ESP Exome Variant Server 0.00015; gnomAD 0.00006; ExAC 0.00007.

Submissions (2):

Labcorp Genetics (formerly Invitae), Labcorp
Classification: Uncertain significance. Last evaluated: 2025-10-05. Review status: criteria provided, single submitter. Criteria: Invitae Variant Classification Sherloc (09022015). Collection method: clinical testing. Allele origin: germline.
Comment: This sequence change replaces serine, which is neutral and polar, with asparagine, which is neutral and polar, at codon 379 of the ALPK1 protein (p.Ser379Asn). This variant is present in population databases (rs373389970, gnomAD 0.02%). This variant has not been reported in the literature in individuals affected with ALPK1-related conditions. ClinVar contains an entry for this variant (Variation ID: 2204378). Invitae Evidence Modeling of protein sequence and biophysical properties (such as structural, functional, and spatial information, amino acid conservation, physicochemical variation, residue mobility, and thermodynamic stability) indicates that this missense variant is not expected to disrupt ALPK1 protein function with a negative predictive value of 80%. In summary, the available evidence is currently insufficient to determine the role of this variant in disease. Therefore, it has been classified as a Variant of Uncertain Significance.

Ambry Genetics
Classification: Uncertain significance for Inborn genetic diseases. Last evaluated: 2025-08-23. Review status: criteria provided, single submitter. Criteria: Ambry Variant Classification Scheme 2023. Collection method: clinical testing. Allele origin: germline.

NM_025144.4(ALPK1):c.1136G>A (p.Ser379Asn)

Gene: ALPK1 (alpha kinase 1; plus strand). Cytogenetic location: 4q25.
Variant type: single nucleotide variant.
Coding change: c.1136G>A on transcript NM_025144.4 (MANE Select); coding-DNA position 1136, G replaced by A.
Protein change: p.Ser379Asn; replaces serine 379 with asparagine.
Molecular consequence: missense variant.
Genome position (GRCh38, 1-based): chr4:112,430,683, G>A. VCF-style: chr4-112430683-G-A. GRCh37 (hg19) VCF-style: chr4-113351839-G-A.
Other names: c.1136G>A, p.Ser379Asn (NM_001102406.2); c.902G>A, p.Ser301Asn (NM_001253884.2); short protein forms S379N, S301N.
Identifiers: ClinVar variation 2204378 (VCV002204378.6), dbSNP rs373389970, ClinGen allele CA3046674.
Genomic context (GRCh38, chr4:112,430,683, plus strand): 5'-TCGGTCTCACCACAGTGCACAGAAGGCTCCATGGGGAGACAGGGACGGTCCATGCAGCAA[G>A]TCAGCTCTGTAAGGAAGCAATGGGGAAGCTGTACAATTTCAGCACTTCCTCCAGAAGTCA-3'
Protein context (NP_079420.3, residues 369-389): HGETGTVHAA[Ser379Asn]QLCKEAMGKL